The following is an entry in ClinVar:

NM_000141.5(FGFR2):c.203C>T (p.Ala68Val)

Gene: FGFR2 (fibroblast growth factor receptor 2; minus strand). Cytogenetic location: 10q26.13.
Variant type: single nucleotide variant.
Coding change: c.203C>T on transcript NM_000141.5 (MANE Select); coding-DNA position 203, C replaced by T.
Protein change: p.Ala68Val; replaces alanine 68 with valine.
Molecular consequence: missense variant. On other transcripts: intron variant (9).
Genome position (GRCh38, 1-based): chr10:121,565,611, G>A on the plus strand (C>T on the coding strand, the complement: FGFR2 is on the minus strand). VCF-style: chr10-121565611-G-A. GRCh37 (hg19) VCF-style: chr10-123325125-G-A.
Other names: c.203C>T, p.Ala68Val (NM_001144913.1, NM_001144914.1, NM_001144917.2 and 3 more transcripts); c.110-14152C>T (NM_001144918.2, NM_001441091.1, NM_001441090.1 and 1 more transcripts); c.110-1032C>T (NM_001441089.1, NM_023029.3, NM_001441088.1 and 2 more transcripts); short protein forms A68V.
Identifiers: ClinVar variation 1421264 (VCV001421264.9), dbSNP rs537841180, ClinGen allele CA5721198.

ClinVar aggregate classification (germline): Uncertain significance. Review status: criteria provided, multiple submitters, no conflicts (2 of 4 stars). 2 submissions from 2 submitters: Uncertain significance (2). Last evaluated 2025-03-30.

Conditions:
FGFR2-related craniosynostosis. Identifiers: MedGen CN231480.
Inborn genetic diseases. Identifiers: MedGen C0950123, MeSH D030342.

Allele frequency attached by ClinVar (database versions not stated): TOPMed below 0.00001; gnomAD 0.00001; gnomAD exomes 0.00001 and 0.00002; ExAC 0.00004; 1000 Genomes Project 0.00020; 1000 Genomes Project 30x 0.00031.
gnomAD v4.1: 7 of 1,614,210 alleles (0.00043%); highest among the groups gnomAD compares: Admixed American, 0.01%; no homozygotes.

Submissions (2):

Ambry Genetics
Classification: Uncertain significance for Inborn genetic diseases. Last evaluated: 2025-03-30. Review status: criteria provided, single submitter. Criteria: Ambry Variant Classification Scheme 2023. Collection method: clinical testing. Allele origin: germline.

Labcorp Genetics (formerly Invitae), Labcorp
Classification: Uncertain significance for FGFR2-related craniosynostosis. Last evaluated: 2022-08-16. Review status: criteria provided, single submitter. Criteria: Invitae Variant Classification Sherloc (09022015). Collection method: clinical testing. Allele origin: germline.
Comment: ClinVar contains an entry for this variant (Variation ID: 1421264). This sequence change replaces alanine, which is neutral and non-polar, with valine, which is neutral and non-polar, at codon 68 of the FGFR2 protein (p.Ala68Val). This variant is present in population databases (rs537841180, gnomAD 0.01%). This variant has not been reported in the literature in individuals affected with FGFR2-related conditions. Algorithms developed to predict the effect of missense changes on protein structure and function (SIFT, PolyPhen-2, Align-GVGD) all suggest that this variant is likely to be tolerated. In summary, the available evidence is currently insufficient to determine the role of this variant in disease. Therefore, it has been classified as a Variant of Uncertain Significance.